The following is an entry in ClinVar:

ClinVar aggregate classification (germline): Uncertain significance (1 of 4 stars; one submission).

Submission:

GeneDx
Classification: Uncertain significance. Last evaluated: 2019-11-06. Review status: criteria provided, single submitter. Criteria: GeneDx Variant Classification Process June 2021. Collection method: clinical testing. Allele origin: germline. Affected: yes.
Comment: Not observed in large population cohorts (Lek et al., 2016); In silico analysis, which includes protein predictors and evolutionary conservation, supports that this variant does not alter protein structure/function; Has not been previously published as pathogenic or benign to our knowledge

NM_005120.3(MED12):c.2836C>G (p.Gln946Glu)

Gene: MED12 (mediator complex subunit 12; plus strand). Cytogenetic location: Xq13.1.
Variant type: single nucleotide variant.
Coding change: c.2836C>G on transcript NM_005120.3 (MANE Select); coding-DNA position 2836, C replaced by G.
Protein change: p.Gln946Glu; replaces glutamine 946 with glutamic acid.
Molecular consequence: missense variant.
Genome position (GRCh38, 1-based): chrX:71,127,119, C>G. VCF-style: chrX-71127119-C-G. GRCh37 (hg19) VCF-style: chrX-70346969-C-G.
Other names: short protein forms Q946E.
Identifiers: ClinVar variation 1310187 (VCV001310187.2), dbSNP rs2147798531, ClinGen allele CA413516355.